The following is an entry in ClinVar:

ClinVar aggregate classification (germline): Uncertain significance (1 of 4 stars; one submission).

Conditions:
Hereditary cancer-predisposing syndrome. Also called: Neoplastic Syndromes, Hereditary; Tumor predisposition; Hereditary neoplastic syndrome; Hereditary Cancer Syndrome. Identifiers: Orphanet 140162, MedGen C0027672, MeSH D009386, MONDO:0015356.

Submission:

Ambry Genetics
Classification: Uncertain significance for Hereditary cancer-predisposing syndrome. Last evaluated: 2026-06-22. Review status: criteria provided, single submitter. Criteria: Ambry Variant Classification Scheme 2023. Collection method: clinical testing. Allele origin: germline.
Comment: The p.L722V variant (also known as c.2164T>G), located in coding exon 13 of the ATM gene, results from a T to G substitution at nucleotide position 2164. The leucine at codon 722 is replaced by valine, an amino acid with highly similar properties. In an assay testing ATM function, this variant showed a functionally normal result (Lee KS et al. Cell, 2025 Sep;188:5081-5099.e27). This amino acid position is highly conserved in available vertebrate species. In addition, the in silico prediction for this alteration is inconclusive. Based on the available evidence, the clinical significance of this variant remains unclear.

Literature cited by the submitters: PubMed 40580951.

NM_000051.4(ATM):c.2164T>G (p.Leu722Val)

Gene: ATM (ATM serine/threonine kinase; plus strand). Cytogenetic location: 11q22.3.
Variant type: single nucleotide variant.
Coding change: c.2164T>G on transcript NM_000051.4 (MANE Select); coding-DNA position 2164, T replaced by G.
Protein change: p.Leu722Val; replaces leucine 722 with valine.
Molecular consequence: missense variant.
Genome position (GRCh38, 1-based): chr11:108,256,254, T>G. VCF-style: chr11-108256254-T-G. GRCh37 (hg19) VCF-style: chr11-108126981-T-G.
Other names: c.2164T>G, p.Leu722Val (NM_001351834.2); short protein forms L722V.
Identifiers: ClinVar variation 5031295 (VCV005031295.1).